The following is an entry in ClinVar:

ClinVar aggregate classification (germline): Benign. Review status: criteria provided, multiple submitters, no conflicts (2 of 4 stars). 2 submissions from 2 submitters: Benign (2). Last evaluated 2018-01-13.

Conditions:
Disorders of Intracellular Cobalamin Metabolism. Identifiers: MedGen CN043592.

Allele frequency attached by ClinVar (database versions not stated): gnomAD exomes 0.67816; gnomAD 0.71932 and 0.72134; TOPMed 0.72976; 1000 Genomes Project 0.76458; 1000 Genomes Project 30x 0.76718.
gnomAD v4.1: 109,277 of 151,952 alleles (72%); highest among the groups gnomAD compares: African/African-American, 91%; 40,581 homozygotes.

Submissions (2):

Illumina Laboratory Services, Illumina
Classification: Benign for Disorders of Intracellular Cobalamin Metabolism. Last evaluated: 2018-01-13. Review status: criteria provided, single submitter. Criteria: ICSL Variant Classification Criteria 13 December 2019. Collection method: clinical testing. Allele origin: germline.
Comment: This variant was observed in the ICSL laboratory as part of a predisposition screen in an ostensibly healthy population. It had not been previously curated by ICSL or reported in the Human Gene Mutation Database (HGMD: prior to June 1st, 2018), and was therefore a candidate for classification through an automated scoring system. Utilizing variant allele frequency, disease prevalence and penetrance estimates, and inheritance mode, an automated score was calculated to assess if this variant is too frequent to cause the disease. Based on the score and internal cut-off values, a variant classified as benign is not then subjected to further curation. The score for this variant resulted in a classification of benign for this disease.

Breakthrough Genomics
Classification: Benign. Review status: criteria provided, single submitter. Criteria: ACMG Guidelines, 2015. Collection method: not provided. Allele origin: germline. Inheritance: Autosomal recessive inheritance. Affected: yes.

NM_000254.3(MTR):c.*4639G>T

Gene: MTR (5-methyltetrahydrofolate-homocysteine methyltransferase; plus strand). Cytogenetic location: 1q43.
Variant type: single nucleotide variant.
Coding change: c.*4639G>T on transcript NM_000254.3 (MANE Select); 4639 bases downstream of the stop codon, G replaced by T.
Molecular consequence: 3 prime UTR variant.
Genome position (GRCh38, 1-based): chr1:236,902,283, G>T. VCF-style: chr1-236902283-G-T. GRCh37 (hg19) VCF-style: chr1-237065583-G-T.
Other names: c.*4639G>T (NM_001291939.1, NM_001291940.2).
Identifiers: ClinVar variation 296673 (VCV000296673.6), dbSNP rs10925264, ClinGen allele CA10609711.